The following is an entry in ClinVar:

NM_152564.5(VPS13B):c.11813C>A (p.Thr3938Lys)

Gene: VPS13B (vacuolar protein sorting 13 homolog B; plus strand). Cytogenetic location: 8q22.2.
Variant type: single nucleotide variant.
Coding change: c.11813C>A on transcript NM_152564.5 (MANE Select); coding-DNA position 11813, C replaced by A.
Protein change: p.Thr3938Lys; replaces threonine 3938 with lysine.
Molecular consequence: missense variant.
Genome position (GRCh38, 1-based): chr8:99,875,485, C>A. VCF-style: chr8-99875485-C-A. GRCh37 (hg19) VCF-style: chr8-100887713-C-A.
Other names: c.11888C>A, p.Thr3963Lys (NM_017890.5); short protein forms T3963K, T3938K.
Identifiers: ClinVar variation 2763964 (VCV002763964.1), dbSNP rs1475274965, ClinGen allele CA371795607.

ClinVar aggregate classification (germline): Uncertain significance (1 of 4 stars; one submission).

Conditions:
Cohen syndrome (COH1). Also called: PEPPER SYNDROME; Cutis verticis gyrata, retinitis pigmentosa, and sensorineural deafness. Identifiers: Orphanet 193, MedGen C0265223, MONDO:0008999, OMIM 216550.

gnomAD v4.1: 1 of 1,614,190 alleles (0.000062%); highest among the groups gnomAD compares: Admixed American, 0.0017%; no homozygotes.

Submission:

Labcorp Genetics (formerly Invitae), Labcorp
Classification: Uncertain significance for Cohen syndrome. Last evaluated: 2023-09-27. Review status: criteria provided, single submitter. Criteria: Invitae Variant Classification Sherloc (09022015). Collection method: clinical testing. Allele origin: germline.
Comment: This sequence change replaces threonine, which is neutral and polar, with lysine, which is basic and polar, at codon 3963 of the VPS13B protein (p.Thr3963Lys). This variant is not present in population databases (gnomAD no frequency). This variant has not been reported in the literature in individuals affected with VPS13B-related conditions. Advanced modeling of protein sequence and biophysical properties (such as structural, functional, and spatial information, amino acid conservation, physicochemical variation, residue mobility, and thermodynamic stability) performed at Invitae indicates that this missense variant is expected to disrupt VPS13B protein function. In summary, the available evidence is currently insufficient to determine the role of this variant in disease. Therefore, it has been classified as a Variant of Uncertain Significance.